The following is an entry in ClinVar:

NM_000179.3(MSH6):c.3479T>C (p.Val1160Ala)

Gene: MSH6 (mutS homolog 6; plus strand). Cytogenetic location: 2p16.3.
Variant type: single nucleotide variant.
Coding change: c.3479T>C on transcript NM_000179.3 (MANE Select); coding-DNA position 3479, T replaced by C.
Protein change: p.Val1160Ala; replaces valine 1160 with alanine.
Molecular consequence: missense variant.
Genome position (GRCh38, 1-based): chr2:47,804,950, T>C. VCF-style: chr2-47804950-T-C. GRCh37 (hg19) VCF-style: chr2-48032089-T-C.
Other names: c.3479T>C, p.Val1160Ala (NM_001406796.1, NM_001406800.1, NM_001406808.1 and 1 more transcripts); c.3182T>C, p.Val1061Ala (NM_001406797.1, NM_001406801.1, NM_001406805.1 and 10 more transcripts); c.3305T>C, p.Val1102Ala (NM_001406798.1); c.2954T>C, p.Val985Ala (NM_001406799.1, NM_001406806.1, NM_001406807.1); c.3089T>C, p.Val1030Ala (NM_001281492.2); c.2573T>C, p.Val858Ala (NM_001281493.2, NM_001281494.2, NM_001406811.1 and 6 more transcripts); c.3575T>C, p.Val1192Ala (NM_001406795.1, NM_001406802.1); c.2615T>C, p.Val872Ala (NM_001406803.1); and 7 more; short protein forms V1030A, V1102A, V872A, V109A, V1134A, V1162A, V87A, V1104A.
Identifiers: ClinVar variation 1731814 (VCV001731814.2), dbSNP rs1669870029, ClinGen allele CA346760131.
Genomic context (GRCh38, chr2:47,804,950, plus strand): 5'-TTTTCCTCCCTCATTCACAGGCTGGCTTATTAGCTGTAATGGCCCAGATGGGTTGTTACG[T>C]CCCTGCTGAAGTGTGCAGGCTCACACCAATTGATAGAGTGTTTACTAGACTTGGTGCCTC-3'
Protein context (NP_000170.1, residues 1150-1170): LAVMAQMGCY[Val1160Ala]PAEVCRLTPI

ClinVar aggregate classification (germline): Uncertain significance (1 of 4 stars; one submission).

Conditions:
Hereditary cancer-predisposing syndrome. Also called: Neoplastic Syndromes, Hereditary; Tumor predisposition; Hereditary Cancer Syndrome; Hereditary neoplastic syndrome. Identifiers: Orphanet 140162, MedGen C0027672, MeSH D009386, MONDO:0015356.

Submission:

Ambry Genetics
Classification: Uncertain significance for Hereditary cancer-predisposing syndrome. Last evaluated: 2017-09-28. Review status: criteria provided, single submitter. Criteria: Ambry Variant Classification Scheme 2023. Collection method: clinical testing. Allele origin: germline.
Comment: The p.V1160A variant (also known as c.3479T>C), located in coding exon 6 of the MSH6 gene, results from a T to C substitution at nucleotide position 3479. The valine at codon 1160 is replaced by alanine, an amino acid with similar properties. This amino acid position is well conserved in available vertebrate species. In addition, this alteration is predicted to be deleterious by in silico analysis. In addition, the CoDP in silico tool predicts this alteration to have a likely impact on molecular function, with a score of 0.952 (Terui H et al. J. Biomed. Sci. 2013 Apr;20:25). Since supporting evidence is limited at this time, the clinical significance of this alteration remains unclear.